The following is an entry in ClinVar:

NM_001098.3(ACO2):c.685-16G>A

Gene: ACO2 (aconitase 2; plus strand). Cytogenetic location: 22q13.2.
Variant type: single nucleotide variant.
Coding change: c.685-16G>A on transcript NM_001098.3 (MANE Select); 16 bases into the intron before coding-DNA position 685, G replaced by A.
Molecular consequence: intron variant.
Genome position (GRCh38, 1-based): chr22:41,515,751, G>A. VCF-style: chr22-41515751-G-A. GRCh37 (hg19) VCF-style: chr22-41911755-G-A.
Identifiers: ClinVar variation 382409 (VCV000382409.10), dbSNP rs769274301, ClinGen allele CA10257427.

ClinVar aggregate classification (germline): Likely benign. Review status: criteria provided, multiple submitters, no conflicts (2 of 4 stars). 3 submissions from 3 submitters: Likely benign (3). Last evaluated 2025-09-09.

Allele frequency attached by ClinVar (database versions not stated): gnomAD 0.00003 and 0.00004; gnomAD exomes 0.00003 and 0.00008; TOPMed 0.00006; ExAC 0.00007.
gnomAD v4.1: 55 of 1,612,500 alleles (0.0034%); highest among the groups gnomAD compares: Admixed American, 0.027%; no homozygotes.

Submissions (3):

Labcorp Genetics (formerly Invitae), Labcorp
Classification: Likely benign. Last evaluated: 2025-09-09. Review status: criteria provided, single submitter. Criteria: Invitae Variant Classification Sherloc (09022015). Collection method: clinical testing. Allele origin: germline.

Blueprint Genetics
Classification: Likely benign. Last evaluated: 2024-11-27. Review status: criteria provided, single submitter. Criteria: ACMG Guidelines, 2015. Collection method: clinical testing. Allele origin: germline.

GeneDx
Classification: Likely benign. Last evaluated: 2016-02-03. Review status: criteria provided, single submitter. Criteria: GeneDx Variant Classification (06012015). Collection method: clinical testing. Allele origin: germline. Affected: yes.
Comment: This variant is considered likely benign or benign based on one or more of the following criteria: it is a conservative change, it occurs at a poorly conserved position in the protein, it is predicted to be benign by multiple in silico algorithms, and/or has population frequency not consistent with disease.